The following is an entry in ClinVar:

ClinVar aggregate classification (germline): Uncertain significance. Review status: criteria provided, multiple submitters, no conflicts (2 of 4 stars). 5 submissions from 5 submitters: Uncertain significance (5). Last evaluated 2026-08-06.

Conditions:
Ehlers-Danlos syndrome due to tenascin-X deficiency (EDSCLL1). Also called: EDS DUE TO TNX DEFICIENCY; TNX DEFICIENCY; EHLERS-DANLOS SYNDROME, CLASSIC-LIKE; Ehlers-Danlos syndrome, classic-like, 1; TNXB-Related Classical-Like Ehlers-Danlos Syndrome. Identifiers: Orphanet 230839, MedGen C1848029, MONDO:0011670, OMIM 606408.
Vesicoureteral reflux 8 (VUR8). Identifiers: Orphanet 289365, MedGen C4014831, MONDO:0014422, OMIM 615963.
Cardiovascular phenotype. Identifiers: MedGen CN230736.

Allele frequency attached by ClinVar (database versions not stated): ExAC 0.00004; gnomAD 0.00009; TOPMed 0.00020; gnomAD exomes 0.00003.
gnomAD v4.1: 59 of 1,612,902 alleles (0.0037%); highest among the groups gnomAD compares: African/African-American, 0.053%; no homozygotes.

Submissions (5):

OLLIN Analises Genomicas, OLLIN
Classification: Uncertain significance for Vesicoureteral reflux 8. Last evaluated: 2026-08-06. Review status: criteria provided, single submitter. Criteria: ACMG Guidelines 2015 PMID 25741868. Collection method: clinical testing. Allele origin: germline. Inheritance: Autosomal dominant inheritance.
Comment: This missense variant, located in exon 13 (of 44), has been reported in ClinVar (accession VCV001703487.9) and in gnomAD with an allele frequency of 0.0037%. However, to our knowledge, it has not been reported in the scientific literature. In silico analysis predicts that this variant has a tolerated effect. According to the currently available evidence, this variant has been classified as uncertain significance (PM2_P, BP4).

Women's Health and Genetics/Laboratory Corporation of America, LabCorp
Classification: Uncertain significance. Last evaluated: 2026-04-07. Review status: criteria provided, single submitter. Criteria: LabCorp Variant Classification Summary - May 2015. Collection method: clinical testing. Allele origin: germline.

Ambry Genetics
Classification: Uncertain significance for Cardiovascular phenotype. Last evaluated: 2025-07-22. Review status: criteria provided, single submitter. Criteria: Ambry Variant Classification Scheme 2023. Collection method: clinical testing. Allele origin: germline.
Comment: The p.R1628Q variant (also known as c.4883G>A), located in coding exon 12 of the TNXB gene, results from a G to A substitution at nucleotide position 4883. The arginine at codon 1628 is replaced by glutamine, an amino acid with highly similar properties. This amino acid position is well conserved in available vertebrate species. In addition, this alteration is predicted to be tolerated by in silico analysis. Since supporting evidence is limited at this time, the clinical significance of this alteration remains unclear.

GeneDx
Classification: Uncertain significance. Last evaluated: 2022-12-02. Review status: criteria provided, single submitter. Criteria: GeneDx Variant Classification Process June 2021. Collection method: clinical testing. Allele origin: germline. Affected: yes.
Comment: In silico analysis supports that this missense variant has a deleterious effect on protein structure/function; Has not been previously published as pathogenic or benign to our knowledge

Institute of Human Genetics, University of Goettingen
Classification: Uncertain significance for Ehlers-Danlos syndrome due to tenascin-X deficiency. Last evaluated: 2022-08-31. Review status: criteria provided, single submitter. Criteria: ACMG Guidelines, 2015. Collection method: clinical testing. Allele origin: unknown. Inheritance: Autosomal recessive inheritance. Observed: 1 heterozygote.
Comment: The variant c.4883G>A (p.(Arg1628Gln)) in exon 13 of the TNXB-gene is found at a population frequency of 0.005% in the gnomAD database, it affects a weakly conserved nucleotide, a weakly conserved amino acid in a protein domain and there is a small physicochemical difference between Arg and Gln. This variant has a benign computational verdict based on in silico predictions algorithms. ACMG criteria used for classification: PM2, BP4.

NM_001365276.2(TNXB):c.4883G>A (p.Arg1628Gln)

Gene: TNXB (tenascin XB; minus strand). Cytogenetic location: 6p21.33.
Variant type: single nucleotide variant.
Coding change: c.4883G>A on transcript NM_001365276.2 (MANE Select); coding-DNA position 4883, G replaced by A.
Protein change: p.Arg1628Gln; replaces arginine 1628 with glutamine.
Molecular consequence: missense variant.
Genome position (GRCh38, 1-based): chr6:32,072,097, C>T on the plus strand (G>A on the coding strand, the complement: TNXB is on the minus strand). VCF-style: chr6-32072097-C-T. GRCh37 (hg19) VCF-style: chr6-32039874-C-T.
Other names: c.4883G>A, p.Arg1628Gln (NM_019105.8); c.4883G>A (NM_019105.6); short protein forms R1628Q.
Identifiers: ClinVar variation 1703487 (VCV001703487.10), dbSNP rs778225485, ClinGen allele CA3734862.